The following is an entry in ClinVar:

ClinVar aggregate classification (germline): Likely benign (1 of 4 stars; one submission).

Submission:

CeGaT Center for Human Genetics Tuebingen
Classification: Likely benign. Last evaluated: 2026-03-01. Review status: criteria provided, single submitter. Criteria: CeGaT Center For Human Genetics Tuebingen Variant Classification Criteria Version 2. Collection method: clinical testing. Allele origin: germline. Affected: yes. Observed: 1 variant allele.
Comment: PRR36: BP4, BP7

NM_001190467.2(PRR36):c.2823A>G (p.Ser941=)

Gene: PRR36 (proline rich 36; minus strand). Cytogenetic location: 19p13.2.
Variant type: single nucleotide variant.
Coding change: c.2823A>G on transcript NM_001190467.2 (MANE Select); coding-DNA position 2823, A replaced by G.
Protein change: p.Ser941=; no amino-acid change (serine 941 retained).
Molecular consequence: synonymous variant.
Genome position (GRCh38, 1-based): chr19:7,870,421, T>C on the plus strand (A>G on the coding strand, the complement: PRR36 is on the minus strand). VCF-style: chr19-7870421-T-C. GRCh37 (hg19) VCF-style: chr19-7935307-T-C.
Identifiers: ClinVar variation 4820913 (VCV004820913.4).